The following is an entry in ClinVar:

ClinVar aggregate classification (germline): Uncertain significance (1 of 4 stars; one submission).

Submission:

GeneDx
Classification: Uncertain significance. Last evaluated: 2022-08-23. Review status: criteria provided, single submitter. Criteria: GeneDx Variant Classification Process June 2021. Collection method: clinical testing. Allele origin: germline. Affected: yes.
Comment: Not observed at significant frequency in large population cohorts (gnomAD); Missense variant in a gene in which most reported pathogenic variants are truncating/loss of function; Has not been previously published as pathogenic or benign to our knowledge; Located in the A-band region of TTN

NM_001267550.2(TTN):c.89006T>A (p.Phe29669Tyr)

Genes: TTN (titin; minus strand), TTN-AS1 (TTN antisense RNA 1; plus strand). Cytogenetic location: 2q31.2.
Variant type: single nucleotide variant.
Coding change: c.89006T>A on transcript NM_001267550.2 (MANE Select); coding-DNA position 89006, T replaced by A.
Protein change: p.Phe29669Tyr; replaces phenylalanine 29669 with tyrosine.
Molecular consequence: missense variant.
Genome position (GRCh38, 1-based): chr2:178,554,105, A>T on the plus strand (T>A on the coding strand, the complement: TTN is on the minus strand). VCF-style: chr2-178554105-A-T. GRCh37 (hg19) VCF-style: chr2-179418832-A-T.
Other names: c.84083T>A, p.Phe28028Tyr (NM_001256850.1); c.61811T>A, p.Phe20604Tyr (NM_003319.4); c.81302T>A, p.Phe27101Tyr (NM_133378.4); c.62186T>A, p.Phe20729Tyr (NM_133432.3); c.62387T>A, p.Phe20796Tyr (NM_133437.4); short protein forms F20604Y, F20729Y, F20796Y, F27101Y, F28028Y, F29669Y.
Identifiers: ClinVar variation 2430495 (VCV002430495.1), dbSNP rs2469354771, ClinGen allele CA349521660.
Genomic context (GRCh38, chr2:178,554,105, plus strand): 5'-CGGATAGTCTCTTTTAGTACTTTAAACCATCCTAGGCTCTTCTTGTCTCGTTTTTCAAGG[A>T]AATAGCCACTTATATCACTACCGCCATCTGCAATTGGCCTGCTCCATACAACAGTCATCG-3'
Protein context (NP_001254479.2, residues 29659-29679): ADGGSDISGY[Phe29669Tyr]LEKRDKKSLG